The following is an entry in ClinVar:

NM_001042492.3(NF1):c.5841dup (p.Tyr1948fs)

Gene: NF1 (neurofibromin 1; plus strand). Cytogenetic location: 17q11.2.
Variant type: Duplication.
Coding change: c.5841dup on transcript NM_001042492.3 (MANE Select); coding-DNA position 5841, one base duplicated (A; older notation c.5841dupA).
Protein change: p.Tyr1948fs; shifts the reading frame from tyrosine 1948.
Molecular consequence: frameshift variant.
Genome position (GRCh38, 1-based): chr17:31,334,866, A duplicated; the last of 2 consecutive A bases (chr17:31,334,865-31,334,866); duplicating either gives the same sequence. VCF-style (leftmost placement, unchanged base first): chr17-31334864-G-GA. GRCh37 (hg19) VCF-style: chr17-29661882-G-GA.
Other names: c.5778dup, p.Tyr1927Ilefs (NM_000267.4); short protein forms Y1927fs, Y1948fs.
Identifiers: ClinVar variation 3642688 (VCV003642688.2).

ClinVar aggregate classification (germline): Pathogenic (1 of 4 stars; one submission).

Conditions:
Neurofibromatosis, type 1 (NF1). Also called: Peripheral type neurofibromatosis; VON RECKLINGHAUSEN DISEASE; Neurofibromatosis, type I; NEUROFIBROMATOSIS, TYPE I, SOMATIC. Identifiers: Orphanet 636, MedGen C0027831, MONDO:0018975, OMIM 162200. Disease mechanism: loss of function.

Submission:

Labcorp Genetics (formerly Invitae), Labcorp
Classification: Pathogenic for Neurofibromatosis, type 1. Last evaluated: 2024-02-22. Review status: criteria provided, single submitter. Criteria: Invitae Variant Classification Sherloc (09022015). Collection method: clinical testing. Allele origin: germline.
Comment: This sequence change creates a premature translational stop signal (p.Tyr1927Ilefs*16) in the NF1 gene. It is expected to result in an absent or disrupted protein product. Loss-of-function variants in NF1 are known to be pathogenic (PMID: 10712197, 23913538). This variant is not present in population databases (gnomAD no frequency). This variant has not been reported in the literature in individuals affected with NF1-related conditions. For these reasons, this variant has been classified as Pathogenic.

Literature cited by the submitters: PubMed 10712197; PubMed 23913538.